The following is an entry in ClinVar:

ClinVar aggregate classification (germline): Uncertain significance (1 of 4 stars; one submission).

Conditions:
Hereditary cancer-predisposing syndrome. Also called: Neoplastic Syndromes, Hereditary; Tumor predisposition; Hereditary Cancer Syndrome; Hereditary neoplastic syndrome. Identifiers: Orphanet 140162, MedGen C0027672, MeSH D009386, MONDO:0015356.

Submission:

Ambry Genetics
Classification: Uncertain significance for Hereditary cancer-predisposing syndrome. Last evaluated: 2026-05-17. Review status: criteria provided, single submitter. Criteria: Ambry Variant Classification Scheme 2023. Collection method: clinical testing. Allele origin: germline.
Comment: The p.S338L variant (also known as c.1013C>T), located in coding exon 4 of the BLM gene, results from a C to T substitution at nucleotide position 1013. The serine at codon 338 is replaced by leucine, an amino acid with dissimilar properties. This amino acid position is conserved. In addition, this alteration is predicted to be tolerated by in silico analysis. Based on the available evidence, the clinical significance of this variant remains unclear.

NM_000057.4(BLM):c.1013C>T (p.Ser338Leu)

Gene: BLM (BLM RecQ like helicase; plus strand). Cytogenetic location: 15q26.1.
Variant type: single nucleotide variant.
Coding change: c.1013C>T on transcript NM_000057.4 (MANE Select); coding-DNA position 1013, C replaced by T.
Protein change: p.Ser338Leu; replaces serine 338 with leucine.
Molecular consequence: missense variant. On other transcripts: 5 prime UTR variant (1).
Genome position (GRCh38, 1-based): chr15:90,754,864, C>T. VCF-style: chr15-90754864-C-T. GRCh37 (hg19) VCF-style: chr15-91298094-C-T.
Other names: c.1013C>T, p.Ser338Leu (NM_001287246.2, NM_001287247.2); c.-279C>T (NM_001287248.2); short protein forms S338L.
Identifiers: ClinVar variation 4867508 (VCV004867508.1).